The following is an entry in ClinVar:

NM_001853.4(COL9A3):c.31CTGCTC[2] (p.Leu15_Leu16del)

Gene: COL9A3 (collagen type IX alpha 3 chain; plus strand). Cytogenetic location: 20q13.33.
Variant type: Microsatellite.
Coding change: c.31CTGCTC[2] on transcript NM_001853.4 (MANE Select); two copies in a row of the 6-base unit CTGCTC starting at c.31; the reference has three copies in a row; one copy, 6 bases deleted.
Protein change: p.Leu15_Leu16del.
Molecular consequence: inframe deletion.
Genome position (GRCh38, 1-based): chr20:62,817,107-62,817,112, CTGCTC deleted; deleting any 6 consecutive bases within chr20:62,817,091-62,817,112 gives the same sequence; the position shown is the placement nearest the transcript's 3' end. VCF-style (leftmost placement, unchanged base first): chr20-62817090-CGCTCCT-C. GRCh37 (hg19) VCF-style: chr20-61448442-CGCTCCT-C.
Identifiers: ClinVar variation 1912695 (VCV001912695.5), dbSNP rs1036479876, ClinGen allele CA511164656.

ClinVar aggregate classification (germline): Uncertain significance (1 of 4 stars; one submission).

Submission:

Labcorp Genetics (formerly Invitae), Labcorp
Classification: Uncertain significance. Last evaluated: 2025-10-19. Review status: criteria provided, single submitter. Criteria: Invitae Variant Classification Sherloc (09022015). Collection method: clinical testing. Allele origin: germline.
Comment: This variant, c.43_48del, results in the deletion of 2 amino acid(s) of the COL9A3 protein (p.Leu15_Leu16del), but otherwise preserves the integrity of the reading frame. The frequency data for this variant in the population databases is considered unreliable, as metrics indicate poor data quality at this position in the gnomAD database. This variant has not been reported in the literature in individuals affected with COL9A3-related conditions. Experimental studies and prediction algorithms are not available or were not evaluated, and the functional significance of this variant is currently unknown. In summary, the available evidence is currently insufficient to determine the role of this variant in disease. Therefore, it has been classified as a Variant of Uncertain Significance.